The following is an entry in ClinVar:

NM_001754.5(RUNX1):c.*2626A>G

Gene: RUNX1 (RUNX family transcription factor 1; minus strand). Cytogenetic location: 21q22.12.
Variant type: single nucleotide variant.
Coding change: c.*2626A>G on transcript NM_001754.5 (MANE Select); 2626 bases downstream of the stop codon, A replaced by G.
Molecular consequence: 3 prime UTR variant.
Genome position (GRCh38, 1-based): chr21:34,789,509, T>C on the plus strand (A>G on the coding strand, the complement: RUNX1 is on the minus strand). VCF-style: chr21-34789509-T-C. GRCh37 (hg19) VCF-style: chr21-36161806-T-C.
Other names: c.*2626A>G (NM_001754.4, NM_001001890.3).
Identifiers: ClinVar variation 339825 (VCV000339825.6), dbSNP rs77550657, ClinGen allele CA10653556.

ClinVar aggregate classification (germline): Benign. Review status: reviewed by expert panel (3 of 4 stars). 2 submissions from 2 submitters: Benign (1). 1 of the submissions does not count toward it. Last evaluated 2020-05-13.

Conditions:
Hereditary thrombocytopenia and hematologic cancer predisposition syndrome. Identifiers: Orphanet 71290, MedGen CN281654, MONDO:0011071.
Hereditary thrombocytopenia and hematological cancer predisposition syndrome associated with RUNX1. Also called: PLATELET DISORDER, ASPIRIN-LIKE; RUNX1 Familial Platelet Disorder with Associated Myeloid Malignancies; Familial Platelet Disorder with Propensity to Acute Myelogenous Leukemia; Familial thrombocytopenia with propensity to acute myelogenous leukemia. Identifiers: Orphanet 71290, MedGen C1832388, MeSH C563324, MONDO:0100083, OMIM 601399.

Allele frequency attached by ClinVar (database versions not stated): gnomAD exomes 0.00066; 1000 Genomes Project 0.00280; gnomAD 0.00352 and 0.00387; 1000 Genomes Project 30x 0.00359; TOPMed 0.00417.
gnomAD v4.1: 589 of 233,678 alleles (0.25%); highest among the groups gnomAD compares: African/African-American, 1.1%; 3 homozygotes.

Submissions (2):

ClinGen Myeloid Malignancy Variant Curation Expert Panel
Classification: Benign for Hereditary thrombocytopenia and hematologic cancer predisposition syndrome. Last evaluated: 2020-05-13. Review status: reviewed by expert panel. Criteria: ClinGen MyeloMalig ACMG Specifications v1. Collection method: curation. Allele origin: germline. Inheritance: Autosomal dominant inheritance.
Comment: The RUNX1 c.*2626A>G variant in the 3' UTR has an MAF of 0.01191 (1.2%, 500/41996 alleles) in the African subpopulation of the gnomAD v3 cohort and is >= 0.0015 (0.15%) (BA1). This variant is detected in a homozygous state in 2 individuals in the gnomAD v3 population database (BP2). In summary, this variant meets criteria to be classified as benign. ACMG/AMP criteria applied, as specified by the Myeloid Malignancy Variant Curation Expert Panel for RUNX1: BA1, BP2.

Illumina Laboratory Services, Illumina
Classification: Benign for Hereditary thrombocytopenia and hematological cancer predisposition syndrome associated with RUNX1. Last evaluated: 2018-01-13. Review status: criteria provided, single submitter. Criteria: ICSL Variant Classification Criteria 13 December 2019. Collection method: clinical testing. Allele origin: germline. Not counted in ClinVar's aggregate classification.
Comment: This variant was observed in the ICSL laboratory as part of a predisposition screen in an ostensibly healthy population. It had not been previously curated by ICSL or reported in the Human Gene Mutation Database (HGMD: prior to June 1st, 2018), and was therefore a candidate for classification through an automated scoring system. Utilizing variant allele frequency, disease prevalence and penetrance estimates, and inheritance mode, an automated score was calculated to assess if this variant is too frequent to cause the disease. Based on the score and internal cut-off values, a variant classified as benign is not then subjected to further curation. The score for this variant resulted in a classification of benign for this disease.